The following is an entry in ClinVar:

ClinVar aggregate classification (germline): Uncertain significance (1 of 4 stars; one submission).

Conditions:
Familial thoracic aortic aneurysm and aortic dissection (TAAD). Also called: Thoracic aortic aneurysms and dissections. Identifiers: Orphanet 91387, MedGen C4707243, MONDO:0019625.

Allele frequency attached by ClinVar (database versions not stated): gnomAD exomes below 0.00001; gnomAD 0.00001; TOPMed 0.00002.
gnomAD v4.1: 3 of 1,613,988 alleles (0.00019%); highest among the groups gnomAD compares: African/African-American, 0.004%; no homozygotes.

Submission:

Ambry Genetics
Classification: Uncertain significance for Familial thoracic aortic aneurysm and aortic dissection. Last evaluated: 2021-07-07. Review status: criteria provided, single submitter. Criteria: Ambry Variant Classification Scheme 2023. Collection method: clinical testing. Allele origin: germline.
Comment: The p.L1650M variant (also known as c.4948C>A), located in coding exon 33 of the MYH11 gene, results from a C to A substitution at nucleotide position 4948. The leucine at codon 1650 is replaced by methionine, an amino acid with highly similar properties. This amino acid position is conserved. In addition, this alteration is predicted to be tolerated by in silico analysis. Since supporting evidence is limited at this time, the clinical significance of this alteration remains unclear.

NM_002474.3(MYH11):c.4948C>A (p.Leu1650Met)

Genes: MYH11 (myosin heavy chain 11; minus strand), NDE1 (nudE neurodevelopment protein 1; plus strand). Cytogenetic location: 16p13.11.
Variant type: single nucleotide variant.
Coding change: c.4948C>A on transcript NM_002474.3 (MANE Select); coding-DNA position 4948, C replaced by A.
Protein change: p.Leu1650Met; replaces leucine 1650 with methionine.
Molecular consequence: missense variant. On other transcripts: intron variant (2).
Genome position (GRCh38, 1-based): chr16:15,720,156, G>T on the plus strand (C>A on the coding strand, the complement: MYH11 is on the minus strand). VCF-style: chr16-15720156-G-T. GRCh37 (hg19) VCF-style: chr16-15814013-G-T.
Other names: c.948-4035G>T (NM_001143979.2, NM_017668.3); c.4969C>A, p.Leu1657Met (NM_001040114.2, NM_001040113.2); c.4948C>A, p.Leu1650Met (NM_022844.3); short protein forms L1657M, L1650M.
Identifiers: ClinVar variation 1744305 (VCV001744305.2), dbSNP rs1283937185, ClinGen allele CA394852223.
Genomic context (GRCh38, chr16:15,720,156, plus strand): 5'-TGAGGGGAACTGTGCCCTCCCTCCACCCATGCCCCAAGCTCCTAGTGTCACCCACCTGCA[G>T]TTTGCGTAGCTGCTTGATGGCTTCCTCCCTCCCCTTGATGGCAGAGTCGGCCTGAAGCTC-3'
Protein context (NP_002465.1, residues 1640-1660): REEAIKQLRK[Leu1650Met]QAQMKDFQRE